The following is an entry in ClinVar:

ClinVar aggregate classification (germline): Likely benign (0 of 4 stars; one submission).

Conditions:
ASTN1-related disorder. Also called: ASTN1-related condition.

Allele frequency attached by ClinVar (database versions not stated): ExAC 0.00028; 1000 Genomes Project 30x 0.00047; 1000 Genomes Project 0.00060; ESP Exome Variant Server 0.00062; gnomAD 0.00086; TOPMed 0.00100.
gnomAD v4.1: 367 of 1,614,116 alleles (0.023%); highest among the groups gnomAD compares: African/African-American, 0.29%; no homozygotes.

Submission:

PreventionGenetics, part of Exact Sciences
Classification: Likely benign for ASTN1-related condition. Last evaluated: 2023-04-08. Review status: no assertion criteria provided. Collection method: clinical testing. Allele origin: germline.
Comment: This variant is classified as likely benign based on ACMG/AMP sequence variant interpretation guidelines (Richards et al. 2015 PMID: 25741868, with internal and published modifications).

NM_004319.3(ASTN1):c.3734G>A (p.Arg1245His)

Gene: ASTN1 (astrotactin 1; minus strand). Cytogenetic location: 1q25.2.
Variant type: single nucleotide variant.
Coding change: c.3734G>A on transcript NM_004319.3 (MANE Select); coding-DNA position 3734, G replaced by A.
Protein change: p.Arg1245His; replaces arginine 1245 with histidine.
Molecular consequence: missense variant. On other transcripts: intron variant (1).
Genome position (GRCh38, 1-based): chr1:176,864,435, C>T on the plus strand (G>A on the coding strand, the complement: ASTN1 is on the minus strand). VCF-style: chr1-176864435-C-T. GRCh37 (hg19) VCF-style: chr1-176833571-C-T.
Other names: c.3758G>A, p.Arg1253His (NM_001364856.2); c.3647+4409G>A (NM_001286164.2); short protein forms R1245H, R1253H.
Identifiers: ClinVar variation 3057643 (VCV003057643.2), dbSNP rs148482637, ClinGen allele CA1258471.
Genomic context (GRCh38, chr1:176,864,435, plus strand): 5'-CAGTCAAGTCCGTAGGGTTTGATCTCGCTGTAGCGGCACCCCAGGTACTTGAGTGAGCTG[C>T]GCCGCAAGCTTATCTTGGGTTCCTGAAGGAGTCCATTGCACCAACTGCTGAGGTCCCCAA-3'
Protein context (NP_004310.1, residues 1235-1255): LLQEPKISLR[Arg1245His]SSLKYLGCRY